The following is an entry in ClinVar:

ClinVar aggregate classification (germline): Uncertain significance. Review status: criteria provided, multiple submitters, no conflicts (2 of 4 stars). 5 submissions from 5 submitters: Uncertain significance (4). 1 of the submissions does not count toward it. Last evaluated 2023-04-11.

Conditions:
Inborn genetic diseases. Identifiers: MedGen C0950123, MeSH D030342.
Glycogen storage disease type III (GSD3). Also called: Cori disease; FORBES DISEASE. Identifiers: Orphanet 366, MedGen C0017922, MONDO:0009291, OMIM 232400.

Allele frequency attached by ClinVar (database versions not stated): gnomAD 0.00001 and 0.00002; gnomAD exomes 0.00001 and 0.00002; ExAC 0.00002.
gnomAD v4.1: 23 of 1,613,678 alleles (0.0014%); highest among the groups gnomAD compares: African/African-American, 0.004%; no homozygotes.

Submissions (5):

Genome-Nilou Lab
Classification: Uncertain significance for Glycogen storage disease type III. Last evaluated: 2023-04-11. Review status: criteria provided, single submitter. Criteria: ACMG Guidelines, 2015. Collection method: clinical testing. Allele origin: germline. Affected: no.

Ambry Genetics
Classification: Uncertain significance for Inborn genetic diseases. Last evaluated: 2022-11-10. Review status: criteria provided, single submitter. Criteria: Ambry Variant Classification Scheme 2023. Collection method: clinical testing. Allele origin: germline.

Labcorp Genetics (formerly Invitae), Labcorp
Classification: Uncertain significance for Glycogen storage disease type III. Last evaluated: 2022-03-19. Review status: criteria provided, single submitter. Criteria: Invitae Variant Classification Sherloc (09022015). Collection method: clinical testing. Allele origin: germline.
Comment: This sequence change replaces arginine, which is basic and polar, with cysteine, which is neutral and slightly polar, at codon 63 of the AGL protein (p.Arg63Cys). This variant is present in population databases (rs778524671, gnomAD 0.004%). This variant has not been reported in the literature in individuals affected with AGL-related conditions. ClinVar contains an entry for this variant (Variation ID: 945853). Algorithms developed to predict the effect of missense changes on protein structure and function are either unavailable or do not agree on the potential impact of this missense change (SIFT: "Deleterious"; PolyPhen-2: "Possibly Damaging"; Align-GVGD: "Class C0"). In summary, the available evidence is currently insufficient to determine the role of this variant in disease. Therefore, it has been classified as a Variant of Uncertain Significance.

Department of Pathology and Laboratory Medicine, Sinai Health System
Classification: Uncertain significance for glycogen storage disease III. Last evaluated: 2021-09-01. Review status: criteria provided, single submitter. Criteria: ACMG Guidelines, 2015. Collection method: research. Allele origin: germline.

Natera, Inc.
Classification: Uncertain significance for Glycogen storage disease type III. Last evaluated: 2020-03-04. Review status: no assertion criteria provided. Collection method: clinical testing. Allele origin: germline. Not counted in ClinVar's aggregate classification.

NM_000642.3(AGL):c.187C>T (p.Arg63Cys)

Gene: AGL (amylo-alpha-1,6-glucosidase and 4-alpha-glucanotransferase; plus strand). Cytogenetic location: 1p21.2.
Variant type: single nucleotide variant.
Coding change: c.187C>T on transcript NM_000642.3 (MANE Select); coding-DNA position 187, C replaced by T.
Protein change: p.Arg63Cys; replaces arginine 63 with cysteine.
Molecular consequence: missense variant.
Genome position (GRCh38, 1-based): chr1:99,861,607, C>T. VCF-style: chr1-99861607-C-T. GRCh37 (hg19) VCF-style: chr1-100327163-C-T.
Other names: c.187C>T, p.Arg63Cys (NM_000028.3, NM_000643.3, NM_000644.3 and 5 more transcripts); c.139C>T, p.Arg47Cys (NM_000646.3); short protein forms R47C, R63C.
Identifiers: ClinVar variation 945853 (VCV000945853.13), dbSNP rs778524671, ClinGen allele CA966081.